The following is an entry in ClinVar:

ClinVar aggregate classification (germline): Conflicting classifications of pathogenicity. Review status: criteria provided, conflicting classifications (1 of 4 stars). 4 submissions from 4 submitters: Uncertain significance (2); Likely benign (2). Last evaluated 2025-11-09.

Conditions:
Autosomal recessive nonsyndromic hearing loss 97. Also called: Deafness, autosomal recessive 97. Identifiers: Orphanet 90636, MedGen C4084709, MONDO:0014739, OMIM 616705.
Osteofibrous dysplasia (OSFD). Also called: Tibia, bowing of, with pseudarthrosis and pectus excavatum. Identifiers: Orphanet 488265, MedGen C4085248, MONDO:0011806, OMIM 607278.
Papillary renal cell carcinoma type 1 (RCCP1). Also called: RENAL CELL CARCINOMA, PAPILLARY, 1, SOMATIC; Renal adenocarcinoma; Renal cell carcinoma 1; Renal cell carcinoma, somatic. Identifiers: Orphanet 47044, MedGen C1336839, OMIM 605074, HP:0011797.
Arthrogryposis, distal, IIa 11. Also called: Arthrogryposis, distal, type 11. Identifiers: MedGen C5774205, MONDO:0031045, OMIM 620019.
Hepatocellular carcinoma (HCC). Also called: Primary carcinoma of liver; HEPATOMA; LIVER CELL CARCINOMA. Identifiers: Orphanet 88673, MedGen C2239176, MONDO:0007256, OMIM 114550, HP:0001402.
Renal cell carcinoma. Identifiers: Orphanet 217071, MedGen C0007134, MeSH D002292, MONDO:0005086, HP:0005584.
Hereditary cancer-predisposing syndrome. Also called: Tumor predisposition; Hereditary neoplastic syndrome; Neoplastic Syndromes, Hereditary; Hereditary Cancer Syndrome. Identifiers: Orphanet 140162, MedGen C0027672, MeSH D009386, MONDO:0015356.

Allele frequency attached by ClinVar (database versions not stated): ExAC 0.00001; gnomAD exomes 0.00001; gnomAD 0.00003; TOPMed 0.00003; ESP Exome Variant Server 0.00008.
gnomAD v4.1: 13 of 1,614,086 alleles (0.00081%); highest among the groups gnomAD compares: African/African-American, 0.015%; no homozygotes.

Submissions (4):

Labcorp Genetics (formerly Invitae), Labcorp
Classification: Likely benign for Renal cell carcinoma. Last evaluated: 2025-11-09. Review status: criteria provided, single submitter. Criteria: Invitae Variant Classification Sherloc (09022015). Collection method: clinical testing. Allele origin: germline.

Mayo Clinic Laboratories, Mayo Clinic
Classification: Uncertain significance. Last evaluated: 2024-05-04. Review status: criteria provided, single submitter. Criteria: ACMG Guidelines, 2015. Collection method: clinical testing. Allele origin: germline. Observed: 1 variant allele.
Comment: BP4, PM2_moderate

Fulgent Genetics
Classification: Uncertain significance for Hepatocellular carcinoma; Papillary renal cell carcinoma type 1; Osteofibrous dysplasia; Autosomal recessive nonsyndromic hearing loss 97; Arthrogryposis, distal, IIa 11. Last evaluated: 2024-04-23. Review status: criteria provided, single submitter. Criteria: ACMG Guidelines, 2015. Collection method: clinical testing. Allele origin: germline.

Ambry Genetics
Classification: Likely benign for Hereditary cancer-predisposing syndrome. Last evaluated: 2019-09-22. Review status: criteria provided, single submitter. Criteria: Ambry Variant Classification Scheme 2023. Collection method: clinical testing. Allele origin: germline.

NM_000245.4(MET):c.1414C>T (p.Pro472Ser)

Gene: MET (MET proto-oncogene, receptor tyrosine kinase; plus strand). Cytogenetic location: 7q31.2.
Variant type: single nucleotide variant.
Coding change: c.1414C>T on transcript NM_000245.4 (MANE Select); coding-DNA position 1414, C replaced by T.
Protein change: p.Pro472Ser; replaces proline 472 with serine.
Molecular consequence: missense variant.
Genome position (GRCh38, 1-based): chr7:116,739,971, C>T. VCF-style: chr7-116739971-C-T. GRCh37 (hg19) VCF-style: chr7-116380025-C-T.
Other names: p.Pro472Ser; c.1414C>T, p.Pro472Ser (NM_001127500.3, NM_001324401.3); c.124C>T, p.Pro42Ser (NM_001324402.2); short protein forms P472S, P42S.
Identifiers: ClinVar variation 665399 (VCV000665399.15), dbSNP rs376589619, ClinGen allele CA4448162.